The following is an entry in ClinVar:

NM_006914.4(RORB):c.17A>G (p.Glu6Gly)

Gene: RORB (RAR related orphan receptor B; plus strand). Cytogenetic location: 9q21.13.
Variant type: single nucleotide variant.
Coding change: c.17A>G on transcript NM_006914.4 (MANE Select); coding-DNA position 17, A replaced by G.
Protein change: p.Glu6Gly; replaces glutamic acid 6 with glycine.
Molecular consequence: missense variant.
Genome position (GRCh38, 1-based): chr9:74,630,291, A>G. VCF-style: chr9-74630291-A-G. GRCh37 (hg19) VCF-style: chr9-77245207-A-G.
Other names: c.50A>G, p.Glu17Gly (NM_001365023.1); short protein forms E17G, E6G.
Identifiers: ClinVar variation 4766053 (VCV004766053.1).

ClinVar aggregate classification (germline): Uncertain significance (1 of 4 stars; one submission).

Submission:

Labcorp Genetics (formerly Invitae), Labcorp
Classification: Uncertain significance. Last evaluated: 2025-09-27. Review status: criteria provided, single submitter. Criteria: Invitae Variant Classification Sherloc (09022015). Collection method: clinical testing. Allele origin: germline.
Comment: This sequence change replaces glutamic acid, which is acidic and polar, with glycine, which is neutral and non-polar, at codon 6 of the RORB protein (p.Glu6Gly). This variant is not present in population databases (gnomAD no frequency). This variant has not been reported in the literature in individuals affected with RORB-related conditions. An algorithm developed to predict the effect of missense changes on protein structure and function (PolyPhen-2) suggests that this variant is likely to be disruptive. In summary, the available evidence is currently insufficient to determine the role of this variant in disease. Therefore, it has been classified as a Variant of Uncertain Significance.